The following is an entry in ClinVar:

NM_001182.5(ALDH7A1):c.913+9G>C

Gene: ALDH7A1 (aldehyde dehydrogenase 7 family member A1; minus strand). Cytogenetic location: 5q23.2.
Variant type: single nucleotide variant.
Coding change: c.913+9G>C on transcript NM_001182.5 (MANE Select); 9 bases into the intron after coding-DNA position 913, G replaced by C.
Molecular consequence: intron variant.
Genome position (GRCh38, 1-based): chr5:126,561,074, C>G on the plus strand (G>C on the coding strand, the complement: ALDH7A1 is on the minus strand). VCF-style: chr5-126561074-C-G. GRCh37 (hg19) VCF-style: chr5-125896766-C-G.
Other names: c.913+9G>C (NM_001202404.2); c.829+9G>C (NM_001201377.2).
Identifiers: ClinVar variation 4993828 (VCV004993828.1).

ClinVar aggregate classification (germline): Likely benign (1 of 4 stars; one submission).

Conditions:
ALDH7A1-related disorder. Also called: ALDH7A1-related condition.

Submission:

PreventionGenetics, part of Exact Sciences
Classification: Likely benign for ALDH7A1-related condition. Last evaluated: 2025-10-15. Review status: criteria provided, single submitter. Criteria: ACMG Guidelines, 2015. Collection method: clinical testing. Allele origin: germline.
Comment: This variant is classified as likely benign based on ACMG/AMP sequence variant interpretation guidelines (Richards et al. 2015 PMID: 25741868, with internal and published modifications).